The following is an entry in ClinVar:

ClinVar aggregate classification (germline): Uncertain significance. Review status: criteria provided, multiple submitters, no conflicts (2 of 4 stars). 2 submissions from 2 submitters: Uncertain significance (2). Last evaluated 2025-09-03.

Allele frequency attached by ClinVar (database versions not stated): gnomAD exomes 0.00001; ExAC 0.00002; ESP Exome Variant Server 0.00008; TOPMed 0.00016.
gnomAD v4.1: 30 of 1,614,014 alleles (0.0019%); highest among the groups gnomAD compares: Admixed American, 0.02%; no homozygotes.

Submissions (2):

Women's Health and Genetics/Laboratory Corporation of America, LabCorp
Classification: Uncertain significance. Last evaluated: 2025-09-03. Review status: criteria provided, single submitter. Criteria: LabCorp Variant Classification Summary - May 2015. Collection method: clinical testing. Allele origin: germline.
Comment: Variant summary: FGB c.191C>T (p.Pro64Leu) results in a non-conservative amino acid change in the encoded protein sequence. Algorithms developed to predict the effect of missense changes on protein structure and function are either unavailable or do not agree on the potential impact of this missense change. The variant allele was found at a frequency of 2.4e-05 in 248876 control chromosomes. The available data on variant occurrences in the general population are insufficient to allow any conclusion about variant significance. To our knowledge, no occurrence of c.191C>T in individuals affected with FGB-related conditions and no experimental evidence demonstrating its impact on protein function have been reported. ClinVar contains an entry for this variant (Variation ID: 2918490). Based on the evidence outlined above, the variant was classified as uncertain significance.

Labcorp Genetics (formerly Invitae), Labcorp
Classification: Uncertain significance. Last evaluated: 2023-08-09. Review status: criteria provided, single submitter. Criteria: Invitae Variant Classification Sherloc (09022015). Collection method: clinical testing. Allele origin: germline.
Comment: This sequence change replaces proline, which is neutral and non-polar, with leucine, which is neutral and non-polar, at codon 64 of the FGB protein (p.Pro64Leu). This variant is present in population databases (rs141013999, gnomAD 0.01%). This variant has not been reported in the literature in individuals affected with FGB-related conditions. Advanced modeling of protein sequence and biophysical properties (such as structural, functional, and spatial information, amino acid conservation, physicochemical variation, residue mobility, and thermodynamic stability) performed at Invitae indicates that this missense variant is not expected to disrupt FGB protein function. In summary, the available evidence is currently insufficient to determine the role of this variant in disease. Therefore, it has been classified as a Variant of Uncertain Significance.

NM_005141.5(FGB):c.191C>T (p.Pro64Leu)

Gene: FGB (fibrinogen beta chain; plus strand). Cytogenetic location: 4q31.3.
Variant type: single nucleotide variant.
Coding change: c.191C>T on transcript NM_005141.5 (MANE Select); coding-DNA position 191, C replaced by T.
Protein change: p.Pro64Leu; replaces proline 64 with leucine.
Molecular consequence: missense variant. On other transcripts: intron variant (1).
Genome position (GRCh38, 1-based): chr4:154,565,884, C>T. VCF-style: chr4-154565884-C-T. GRCh37 (hg19) VCF-style: chr4-155487036-C-T.
Other names: c.165+26C>T (NM_001184741.1); c.191C>T, p.Pro64Leu (NM_001382759.1, NM_001382760.1, NM_001382761.1 and 4 more transcripts); short protein forms P64L.
Identifiers: ClinVar variation 2918490 (VCV002918490.4), dbSNP rs141013999, ClinGen allele CA3114466.